The following is an entry in ClinVar:

ClinVar aggregate classification (germline): Pathogenic. Review status: criteria provided, single submitter (1 of 4 stars). 2 submissions from 1 submitter: Pathogenic (1). 1 of the submissions does not count toward it. Last evaluated 2022-04-30.

Conditions:
RASopathy. Also called: Noonan spectrum disorder; rasopathies. Identifiers: Orphanet 536391, MedGen C5555857, MONDO:0021060.

Submissions (2):

Labcorp Genetics (formerly Invitae), Labcorp
Classification: Pathogenic. Last evaluated: 2022-04-30. Review status: criteria provided, single submitter. Criteria: Invitae Variant Classification Sherloc (09022015). Collection method: clinical testing. Allele origin: germline.
Comment: A gross deletion of the genomic region encompassing the full coding sequence of the ATP6V0A4 gene has been identified. Loss-of-function variants in ATP6V0A4 are known to be pathogenic (PMID: 12414817, 16611712). The boundaries of this event are unknown as they extend beyond the assayed region for this gene and therefore may encompass additional genes. This variant has not been reported in the literature in individuals affected with ATP6V0A4-related conditions. For these reasons, this variant has been classified as Pathogenic.

Labcorp Genetics (formerly Invitae), Labcorp
Classification: Uncertain significance for RASopathy. Last evaluated: 2022-10-14. Review status: flagged submission. Criteria: Invitae Variant Classification Sherloc (09022015). Collection method: clinical testing. Allele origin: germline. Not counted in ClinVar's aggregate classification.
Comment: A copy number gain of the genomic region encompassing the full coding sequence of the BRAF gene has been identified. The boundaries of this event are unknown as they extend beyond the assayed region for this gene and therefore may encompass additional genes. As the precise location of this event is unknown, it may be in tandem or it may be located elsewhere in the genome. This variant has not been reported in the literature in individuals affected with BRAF-related conditions. In summary, the available evidence is currently insufficient to determine the role of this variant in disease. Therefore, it has been classified as a Variant of Uncertain Significance.
ClinVar note: Reason: This record appears to be redundant with a more recent record from the same submitter.
ClinVar note: Notes: SCV003793708 appears to be redundant with SCV003791714.
ClinVar note: Notes: Evidence summary describes a copy number gain when the variant is a deletion
ClinVar note: Reason: Other submission error

Literature cited by the submitters: PubMed 12414817; PubMed 16611712.

NC_000007.13:g.(?_138391369)_(141759786_?)del

Genes: ADCK2 (aarF domain containing kinase 2; plus strand), AGK (acylglycerol kinase; plus strand), ATP6V0A4 (ATPase H+ transporting V0 subunit a4; minus strand), BRAF (B-Raf proto-oncogene, serine/threonine kinase; minus strand), CLEC2L (C-type lectin domain family 2 member L; plus strand) and 31 more. Cytogenetic location: 7q34.
Variant type: Deletion.
Identifiers: ClinVar variation 2425073 (VCV002425073.3).